The following is an entry in ClinVar:

ClinVar aggregate classification (germline): Benign/Likely benign. Review status: criteria provided, multiple submitters, no conflicts (2 of 4 stars). 8 submissions from 8 submitters: Benign (4); Likely benign (3). 1 of the submissions does not count toward it. Last evaluated 2026-09-01.

Conditions:
Bohring-Opitz syndrome. Also called: ASXL1-Related Bohring-Opitz Syndrome; C-LIKE SYNDROME; BOHRING SYNDROME; OPITZ TRIGONOCEPHALY-LIKE SYNDROME. Identifiers: Orphanet 97297, MedGen C0796232, MONDO:0011510, OMIM 605039.
Inborn genetic diseases. Identifiers: MedGen C0950123, MeSH D030342.
ASXL1-related disorder. Also called: ASXL1-related condition; ASXL1-related disorders.

Allele frequency attached by ClinVar (database versions not stated): 1000 Genomes Project 30x 0.00062; ExAC 0.00069; ESP Exome Variant Server 0.00069; gnomAD 0.00078 and 0.00081; 1000 Genomes Project 0.00080; gnomAD exomes 0.00093 and 0.00053; TOPMed 0.00112.
gnomAD v4.1: 907 of 1,614,148 alleles (0.056%); highest among the groups gnomAD compares: Admixed American, 0.32%; 1 homozygote.

Submissions (8):

CeGaT Center for Human Genetics Tuebingen
Classification: Likely benign. Last evaluated: 2026-09-01. Review status: criteria provided, single submitter. Criteria: CeGaT Center For Human Genetics Tuebingen Variant Classification Criteria Version 2. Collection method: clinical testing. Allele origin: germline. Affected: yes. Observed: 4 variant alleles.
Comment: ASXL1: BP4, BP7, BS1

Labcorp Genetics (formerly Invitae), Labcorp
Classification: Benign. Last evaluated: 2025-12-27. Review status: criteria provided, single submitter. Criteria: Invitae Variant Classification Sherloc (09022015). Collection method: clinical testing. Allele origin: germline.

Blueprint Genetics
Classification: Likely benign. Last evaluated: 2024-11-08. Review status: criteria provided, single submitter. Criteria: ACMG Guidelines, 2015. Collection method: clinical testing. Allele origin: germline.

Ambry Genetics
Classification: Likely benign for Inborn genetic diseases. Last evaluated: 2024-10-15. Review status: criteria provided, single submitter. Criteria: Ambry Variant Classification Scheme 2023. Collection method: clinical testing. Allele origin: germline.

Genome-Nilou Lab
Classification: Benign for Bohring-Opitz syndrome. Last evaluated: 2021-12-05. Review status: criteria provided, single submitter. Criteria: ACMG Guidelines, 2015. Collection method: clinical testing. Allele origin: germline. Affected: no.

GeneDx
Classification: Benign. Last evaluated: 2019-09-27. Review status: criteria provided, single submitter. Criteria: GeneDx Variant Classification Process June 2021. Collection method: clinical testing. Allele origin: germline. Affected: yes.

Breakthrough Genomics
Classification: Benign. Review status: criteria provided, single submitter. Criteria: ACMG Guidelines, 2015. Collection method: not provided. Allele origin: germline. Inheritance: Autosomal dominant inheritance. Affected: yes.

PreventionGenetics, part of Exact Sciences
Classification: Benign for ASXL1-related condition. Last evaluated: 2019-02-28. Review status: no assertion criteria provided. Collection method: clinical testing. Allele origin: germline. Not counted in ClinVar's aggregate classification.
Comment: This variant is classified as benign based on ACMG/AMP sequence variant interpretation guidelines (Richards et al. 2015 PMID: 25741868, with internal and published modifications).

NM_015338.6(ASXL1):c.4098C>T (p.Ser1366=)

Gene: ASXL1 (ASXL transcriptional regulator 1; plus strand). Cytogenetic location: 20q11.21.
Variant type: single nucleotide variant.
Coding change: c.4098C>T on transcript NM_015338.6 (MANE Select); coding-DNA position 4098, C replaced by T.
Protein change: p.Ser1366=; no amino-acid change (serine 1366 retained).
Molecular consequence: synonymous variant.
Genome position (GRCh38, 1-based): chr20:32,436,810, C>T. VCF-style: chr20-32436810-C-T. GRCh37 (hg19) VCF-style: chr20-31024613-C-T.
Other names: c.3915C>T, p.Ser1305= (NM_001363734.1).
Identifiers: ClinVar variation 338117 (VCV000338117.40), dbSNP rs143041800, ClinGen allele CA9808963.
Genomic context (GRCh38, chr20:32,436,810, plus strand): 5'-TGGTGGGGTACAGACTCCAAGGGAAGACTGGGCTCCAAAGCCACATGCCTTTGTTGGCAG[C>T]GTCAAGAATGAGAAGACTTTTGTGGGGGGTCCTCTTAAGGCAAATGCCGAGAACAGGAAA-3'
Protein context (NP_056153.2, residues 1356-1376): WAPKPHAFVG[Ser1366=]VKNEKTFVGG